The following is an entry in ClinVar:

NM_001164508.2(NEB):c.6112_6115del (p.Lys2038fs)

Gene: NEB (nebulin; minus strand). Cytogenetic location: 2q23.3.
Variant type: Microsatellite.
Coding change: c.6112_6115del on transcript NM_001164508.2 (MANE Select); coding-DNA positions 6112 to 6115, 4 bases deleted (AAAG; older notation c.6112_6115delAAAG).
Protein change: p.Lys2038fs; shifts the reading frame from lysine 2038.
Molecular consequence: frameshift variant.
Genome position (GRCh38, 1-based): chr2:151,658,051-151,658,054, CTTT deleted on the plus strand (AAAG on the coding strand, the reverse complement: NEB is on the minus strand); deleting any 4 consecutive bases within chr2:151,658,051-151,658,058 gives the same sequence; the c. name uses the placement nearest the transcript's 3' end. VCF-style (leftmost placement, unchanged base first): chr2-151658050-CCTTT-C. GRCh37 (hg19) VCF-style: chr2-152514564-CCTTT-C.
Other names: c.6112_6115del, p.Lys2038fs (NM_001164507.2, NM_001271208.2, NM_004543.5); short protein forms K2038fs.
Identifiers: ClinVar variation 645659 (VCV000645659.6), dbSNP rs1575358650, ClinGen allele CA915941762.

ClinVar aggregate classification (germline): Pathogenic (1 of 4 stars; one submission).

Conditions:
Nemaline myopathy 2 (NEM2). Also called: Nemaline myopathy 2, autosomal recessive. Identifiers: MedGen C1850569, MONDO:0009725, OMIM 256030.

Submission:

Labcorp Genetics (formerly Invitae), Labcorp
Classification: Pathogenic for Nemaline myopathy 2. Last evaluated: 2018-08-04. Review status: criteria provided, single submitter. Criteria: Invitae Variant Classification Sherloc (09022015). Collection method: clinical testing. Allele origin: germline.
Comment: For these reasons, this variant has been classified as Pathogenic. Loss-of-function variants in NEB are known to be pathogenic (PMID: 25205138). This variant has not been reported in the literature in individuals with NEB-related disease. This variant is not present in population databases (ExAC no frequency). This sequence change creates a premature translational stop signal (p.Lys2038Alafs*49) in the NEB gene. It is expected to result in an absent or disrupted protein product.

Literature cited by the submitters: PubMed 25205138.